The following is an entry in ClinVar:

NM_001242896.3(DEPDC5):c.2887dup (p.Glu963fs)

Gene: DEPDC5 (DEP domain containing 5, GATOR1 subcomplex subunit; plus strand). Cytogenetic location: 22q12.3.
Variant type: Duplication.
Coding change: c.2887dup on transcript NM_001242896.3 (MANE Select); coding-DNA position 2887, one base duplicated (G; older notation c.2887dupG).
Protein change: p.Glu963fs; shifts the reading frame from glutamic acid 963.
Molecular consequence: frameshift variant. On other transcripts: non-coding transcript variant (5).
Genome position (GRCh38, 1-based): chr22:31,845,103, G duplicated; the last of 5 consecutive G bases (chr22:31,845,099-31,845,103); duplicating any one gives the same sequence. VCF-style (leftmost placement, unchanged base first): chr22-31845098-A-AG. GRCh37 (hg19) VCF-style: chr22-32241084-A-AG.
Other names: c.2860dup, p.Glu954fs (NM_001136029.4, NM_001369903.1, NM_014662.6); c.2653dup, p.Glu885fs (NM_001242897.2, NM_001363854.2, NM_001364319.2); c.2887dup, p.Glu963fs (NM_001363852.2, NM_001364318.2, NM_001364320.2); c.2803dup, p.Glu935fs (NM_001369901.1, NM_001369902.1); short protein forms E954fs, E963fs, E885fs, E935fs.
Identifiers: ClinVar variation 1456042 (VCV001456042.6), dbSNP rs2149024046, ClinGen allele CA2573157996.

ClinVar aggregate classification (germline): Pathogenic (1 of 4 stars; one submission).

Conditions:
Familial focal epilepsy with variable foci (FPEVF). Identifiers: Orphanet 98820, MedGen C1858477, MONDO:0020310.

Submission:

Labcorp Genetics (formerly Invitae), Labcorp
Classification: Pathogenic for Familial focal epilepsy with variable foci. Last evaluated: 2021-06-22. Review status: criteria provided, single submitter. Criteria: Invitae Variant Classification Sherloc (09022015). Collection method: clinical testing. Allele origin: germline.
Comment: This sequence change creates a premature translational stop signal (p.Glu963Glyfs*198) in the DEPDC5 gene. It is expected to result in an absent or disrupted protein product. Loss-of-function variants in DEPDC5 are known to be pathogenic (PMID: 23542697, 23542701). This variant is not present in population databases (ExAC no frequency). This variant has not been reported in the literature in individuals with DEPDC5-related conditions. For these reasons, this variant has been classified as Pathogenic.

Literature cited by the submitters: PubMed 23542697; PubMed 23542701.